The following is an entry in ClinVar:

ClinVar aggregate classification (germline): Likely pathogenic. Review status: reviewed by expert panel (3 of 4 stars). 4 submissions from 4 submitters: Likely pathogenic (1). 3 of the submissions do not count toward it. Last evaluated 2026-09-01.

Conditions:
DICER1-related tumor predisposition. Also called: DICER1-related pleuropulmonary blastoma cancer predisposition syndrome; DICER1 syndrome. Identifiers: Orphanet 284343, MedGen C3839822, MONDO:0100216.

Submissions (4):

ClinGen DICER1 and miRNA-Processing Gene Variant Curation Expert Panel, ClinGen
Classification: Likely pathogenic for DICER1-related tumor predisposition. Last evaluated: 2026-09-01. Review status: reviewed by expert panel. Criteria: ClinGen DICER1 and miRNA-Processing Gene Expert Panel Specifications to the ACMG/AMP Variant Interpretation Guidelines for DICER1 Version 1.4. Collection method: curation. Allele origin: germline. Inheritance: Autosomal dominant inheritance.
Comment: NM_177438.3(DICER1):c.2642T>C variant in DICER1 is a missense variant predicted to cause substitution of leucine by proline at amino acid 881 (p.Leu881Pro). This variant received a total of 1 phenotype point across 1 unrelated proband meeting DICER1 VCEP phenotype specificity scoring criteria of 1-1.5 points (PS4_Supporting; PMID: 28960912, 31342592, 37333613, Internal lab contributors). At least one patient with this variant was found to have a somatic second hit in a recognized DICER1 hotspot codon on tumor sequencing, which is highly specific for DICER1-related tumor predisposition (PP4, PMID: 37333613). The variant has been reported to segregate with cystic nephroma, multinodular goiter, and lung cysts in 3 meioses from 1 family (PP1; PMID: 28960912). This variant is absent from gnomAD v4.1.0 (PM2_Supporting). An in vitro cleavage assay using immunopurified DICER1 variant Leu881Pro showed that this variant reduces the capacity of the protein to produce 5p/3p microRNAs from a pre-miRNA, indicating that it impacts protein function (PS3_Supporting; PMID: 31342592, 37333613). In silico tools predict damaging impact of the variant on protein function (REVEL: 0.906) (PP3). In summary, this variant meets the criteria to be classified as Likely Pathogenic for DICER1-related tumor predisposition based on the ACMG/AMP criteria applied, as specified by the ClinGen DICER1 VCEP: PS4_Supporting, PP4, PP1, PM2_Supporting, PS3_Supporting, PP3. (VCEP specifications version 1.4.0) Based on Tavtigian et al 2020 (PMID:32720330), the total points applied = 6, which equates to a classification of likely pathogenic.

Labcorp Genetics (formerly Invitae), Labcorp
Classification: Pathogenic for DICER1-related tumor predisposition. Last evaluated: 2025-04-24. Review status: criteria provided, single submitter. Criteria: Invitae Variant Classification Sherloc (09022015). Collection method: clinical testing. Allele origin: germline. Not counted in ClinVar's aggregate classification.
Comment: This sequence change replaces leucine, which is neutral and non-polar, with proline, which is neutral and non-polar, at codon 881 of the DICER1 protein (p.Leu881Pro). This variant is not present in population databases (gnomAD no frequency). This missense change has been observed in individual(s) with clinical features of DICER1-related tumor syndrome (PMID: 28960912). It has also been observed to segregate with disease in related individuals. ClinVar contains an entry for this variant (Variation ID: 690445). Invitae Evidence Modeling of protein sequence and biophysical properties (such as structural, functional, and spatial information, amino acid conservation, physicochemical variation, residue mobility, and thermodynamic stability) indicates that this missense variant is expected to disrupt DICER1 protein function with a positive predictive value of 95%. Experimental studies have shown that this missense change affects DICER1 function (PMID: 31342592). For these reasons, this variant has been classified as Pathogenic.

PreventionGenetics, part of Exact Sciences
Classification: Likely pathogenic. Last evaluated: 2020-04-01. Review status: criteria provided, single submitter. Criteria: ACMG Guidelines, 2015. Collection method: clinical testing. Allele origin: germline. Not counted in ClinVar's aggregate classification.

Foulkes Cancer Genetics LDI, Lady Davis Institute for Medical Research
Classification: Likely pathogenic for Pleuropulmonary blastoma. Last evaluated: 2019-07-01. Review status: criteria provided, single submitter. Criteria: ACMG Guidelines, 2015. Collection method: curation. Allele origin: germline. Affected: yes. Observed: 1 variant allele. Not counted in ClinVar's aggregate classification.
Comment: ACMG criteria met: PS3, PM2, PP3, BP1

Literature cited by the submitters: PubMed 28960912 (cited by Labcorp Genetics (formerly Invitae), Labcorp and Foulkes Cancer Genetics LDI, Lady Davis Institute for Medical Research); PubMed 31342592 (cited by Labcorp Genetics (formerly Invitae), Labcorp).

NM_177438.3(DICER1):c.2642T>C (p.Leu881Pro)

Gene: DICER1 (dicer 1, ribonuclease III; minus strand). Cytogenetic location: 14q32.13.
Variant type: single nucleotide variant.
Coding change: c.2642T>C on transcript NM_177438.3 (MANE Select); coding-DNA position 2642, T replaced by C.
Protein change: p.Leu881Pro; replaces leucine 881 with proline.
Molecular consequence: missense variant.
Genome position (GRCh38, 1-based): chr14:95,107,888, A>G on the plus strand (T>C on the coding strand, the complement: DICER1 is on the minus strand). VCF-style: chr14-95107888-A-G. GRCh37 (hg19) VCF-style: chr14-95574225-A-G.
Other names: NM_030621.4(DICER1):c.2642T>C; p.Leu881Pro; c.2642T>C, p.Leu881Pro (NM_001195573.1, NM_001271282.3, NM_001291628.2 and 1 more transcripts); short protein forms L881P.
Identifiers: ClinVar variation 690445 (VCV000690445.18), dbSNP rs1595380007, ClinGen allele CA390881127.
Genomic context (GRCh38, chr14:95,107,888, plus strand): 5'-GTATGTTTGTATATGTGTCTAGAGTTATCAAAGTAAGAGATTTTTTTCTTACCAACATTA[A>G]GAGGTAGAACACAGTATGCTGAATCAGCGTCTGTAGGTTTAAATTCTAGTGCAGGTTTTT-3'
Protein context (NP_803187.1, residues 871-891): DADSAYCVLP[Leu881Pro]NVVNDSSTLD